The following is an entry in ClinVar:

ClinVar aggregate classification (germline): Uncertain significance (1 of 4 stars; one submission).

Conditions:
Peroxisome biogenesis disorder 11A (Zellweger). Also called: Peroxisome biogenesis disorder 11A. Identifiers: Orphanet 912, MedGen C3554000, MONDO:0013949, OMIM 614883.

Allele frequency attached by ClinVar (database versions not stated): gnomAD 0.00001; TOPMed 0.00001.

Submission:

Labcorp Genetics (formerly Invitae), Labcorp
Classification: Uncertain significance for Peroxisome biogenesis disorder 11A (Zellweger). Last evaluated: 2022-07-30. Review status: criteria provided, single submitter. Criteria: Invitae Variant Classification Sherloc (09022015). Collection method: clinical testing. Allele origin: germline.
Comment: This sequence change replaces arginine, which is basic and polar, with glutamine, which is neutral and polar, at codon 170 of the PEX13 protein (p.Arg170Gln). This variant is not present in population databases (gnomAD no frequency). This variant has not been reported in the literature in individuals affected with PEX13-related conditions. ClinVar contains an entry for this variant (Variation ID: 1494514). Algorithms developed to predict the effect of missense changes on protein structure and function are either unavailable or do not agree on the potential impact of this missense change (SIFT: "Deleterious"; PolyPhen-2: "Possibly Damaging"; Align-GVGD: "Class C0"). In summary, the available evidence is currently insufficient to determine the role of this variant in disease. Therefore, it has been classified as a Variant of Uncertain Significance.

NM_002618.4(PEX13):c.509G>A (p.Arg170Gln)

Gene: PEX13 (peroxisomal biogenesis factor 13; plus strand). Cytogenetic location: 2p15.
Variant type: single nucleotide variant.
Coding change: c.509G>A on transcript NM_002618.4 (MANE Select); coding-DNA position 509, G replaced by A.
Protein change: p.Arg170Gln; replaces arginine 170 with glutamine.
Molecular consequence: missense variant.
Genome position (GRCh38, 1-based): chr2:61,031,835, G>A. VCF-style: chr2-61031835-G-A. GRCh37 (hg19) VCF-style: chr2-61258970-G-A.
Other names: short protein forms R170Q.
Identifiers: ClinVar variation 1494514 (VCV001494514.5), dbSNP rs779100414, ClinGen allele CA346943658.